The following is an entry in ClinVar:

ClinVar aggregate classification (germline): Conflicting classifications of pathogenicity. Review status: criteria provided, conflicting classifications (1 of 4 stars). 3 submissions from 3 submitters: Likely pathogenic (1); Uncertain significance (2). Last evaluated 2026-08-06.

Conditions:
Developmental and epileptic encephalopathy, 2 (DEE2). Also called: CDKL5 deficiency disorder; INFANTILE SPASM SYNDROME, X-LINKED 2. Identifiers: Orphanet 1934, Orphanet 3451, Orphanet 505652, MedGen C4750718, MONDO:0010396, OMIM 300672.
CDKL5 disorder. Identifiers: MedGen CN296942, MONDO:0100039.

Submissions (3):

OLLIN Analises Genomicas, OLLIN
Classification: Likely pathogenic for Developmental and epileptic encephalopathy, 2. Last evaluated: 2026-08-06. Review status: criteria provided, single submitter. Criteria: ACMG Guidelines 2015 PMID 25741868. Collection method: clinical testing. Allele origin: germline. Inheritance: X-linked inheritance.
Comment: This missense variant, located in exon 7 (of 18), is absent from gnomAD but has been reported in ClinVar (accession VCV001304638.3) and in the scientific literature in individuals with CDKL5 related disorders (PMID: 30928302, 25657822, 26701947, 19793311). In silico analysis predicts that this variant has a deleterious effect. Another pathogenic variant affecting the same amino acid residue has been reported (PMID: 26701947, 19793311). According to the currently available evidence, this variant has been classified as likely pathogenic (PS4_P, PM2_P, PM5, PP3, PP4).

Centre for Population Genomics, CPG
Classification: Uncertain significance for CDKL5 disorder. Last evaluated: 2024-07-12. Review status: criteria provided, single submitter. Criteria: McKnight et al. (Hum Mutat. 2022). Collection method: curation. Allele origin: germline. Inheritance: X-linked inheritance.
Comment: This variant has been collected from RettBASE and curated to current modified ACMG/AMP criteria. Based on the classification scheme defined by the ClinGen Rett/Angelman-like Expert Panel for Rett/AS-like Disorders Specifications to the ACMG/AMP Variant Interpretation Guidelines VCEP 3.0, this variant is classified as a variant of uncertain significance. At least the following criteria are met: This variant is absent from gnomAD v4 (PM2_Supporting). Has been observed in at least 2 individuals with phenotypes consistent with CDKL5 disorder (PS4_Supporting). PMID 25657822 PMID: 30928302 Variation ID: 1304638 Another missense variant in the same codon has been classified as pathogenic (PM5) Variation ID: 189590 PMID: 26701947 PMID 19793311 Computational prediction analysis tools suggests a deleterious impact (REVEL score>= 0.75) (PP3).

GeneDx
Classification: Uncertain significance. Last evaluated: 2019-10-04. Review status: criteria provided, single submitter. Criteria: GeneDx Variant Classification Process June 2021. Collection method: clinical testing. Allele origin: germline. Affected: yes.
Comment: In silico analysis, which includes protein predictors and evolutionary conservation, supports a deleterious effect; Not observed in large population cohorts (Lek et al., 2016); This variant is associated with the following publications: (PMID: 26701947, 30928302, 31313283, 32139178)

Literature cited by the submitters: PubMed 30928302 (cited by OLLIN Analises Genomicas, OLLIN); PubMed 25657822 (cited by OLLIN Analises Genomicas, OLLIN); PubMed 26701947 (cited by OLLIN Analises Genomicas, OLLIN); PubMed 19793311 (cited by OLLIN Analises Genomicas, OLLIN).

NM_001323289.2(CDKL5):c.458A>T (p.Asp153Val)

Gene: CDKL5 (cyclin dependent kinase like 5; plus strand). Cytogenetic location: Xp22.13.
Variant type: single nucleotide variant.
Coding change: c.458A>T on transcript NM_001323289.2 (MANE Select); coding-DNA position 458, A replaced by T.
Protein change: p.Asp153Val; replaces aspartic acid 153 with valine.
Molecular consequence: missense variant.
Genome position (GRCh38, 1-based): chrX:18,581,945, A>T. VCF-style: chrX-18581945-A-T. GRCh37 (hg19) VCF-style: chrX-18600065-A-T.
Other names: NM_001323289.2(CDKL5):c.458A>T; p.Asp153Val; c.458A>T, p.Asp153Val (NM_001037343.2, NM_003159.3); short protein forms D153V.
Identifiers: ClinVar variation 1304638 (VCV001304638.4), dbSNP rs786204985, ClinGen allele CA412351081.